The following is an entry in ClinVar:

ClinVar aggregate classification (germline): Uncertain significance. Review status: criteria provided, multiple submitters, no conflicts (2 of 4 stars). 2 submissions from 2 submitters: Uncertain significance (2). Last evaluated 2025-07-13.

Conditions:
Hereditary cancer-predisposing syndrome. Also called: Neoplastic Syndromes, Hereditary; Tumor predisposition; Hereditary neoplastic syndrome; Hereditary Cancer Syndrome. Identifiers: Orphanet 140162, MedGen C0027672, MeSH D009386, MONDO:0015356.
Familial cancer of breast. Also called: hereditary breast carcinoma; BREAST CANCER, FAMILIAL; Hereditary breast cancer. Identifiers: Orphanet 227535, MedGen C0346153, MONDO:0016419, OMIM 114480. Disease mechanism: loss of function.

Submissions (2):

Ambry Genetics
Classification: Uncertain significance for Hereditary cancer-predisposing syndrome. Last evaluated: 2025-07-13. Review status: criteria provided, single submitter. Criteria: Ambry Variant Classification Scheme 2023. Collection method: clinical testing. Allele origin: germline.
Comment: The p.P152R variant (also known as c.455C>G), located in coding exon 3 of the CHEK2 gene, results from a C to G substitution at nucleotide position 455. The proline at codon 152 is replaced by arginine, an amino acid with dissimilar properties. This amino acid position is conserved. In addition, this alteration is predicted to be deleterious by in silico analysis. Based on the available evidence, the clinical significance of this variant remains unclear.

Labcorp Genetics (formerly Invitae), Labcorp
Classification: Uncertain significance for Familial cancer of breast. Last evaluated: 2024-03-27. Review status: criteria provided, single submitter. Criteria: Invitae Variant Classification Sherloc (09022015). Collection method: clinical testing. Allele origin: germline.
Comment: This sequence change replaces proline, which is neutral and non-polar, with arginine, which is basic and polar, at codon 152 of the CHEK2 protein (p.Pro152Arg). This variant is not present in population databases (gnomAD no frequency). This variant has not been reported in the literature in individuals affected with CHEK2-related conditions. An algorithm developed to predict the effect of missense changes on protein structure and function (PolyPhen-2) suggests that this variant is likely to be disruptive. In summary, the available evidence is currently insufficient to determine the role of this variant in disease. Therefore, it has been classified as a Variant of Uncertain Significance.

NM_007194.4(CHEK2):c.455C>G (p.Pro152Arg)

Gene: CHEK2 (checkpoint kinase 2; minus strand). Cytogenetic location: 22q12.1.
Variant type: single nucleotide variant.
Coding change: c.455C>G on transcript NM_007194.4 (MANE Select); coding-DNA position 455, C replaced by G.
Protein change: p.Pro152Arg; replaces proline 152 with arginine.
Molecular consequence: missense variant. On other transcripts: 5 prime UTR variant (2), intron variant (1).
Genome position (GRCh38, 1-based): chr22:28,725,114, G>C on the plus strand (C>G on the coding strand, the complement: CHEK2 is on the minus strand). VCF-style: chr22-28725114-G-C. GRCh37 (hg19) VCF-style: chr22-29121102-G-C.
Other names: c.-323C>G (NM_001257387.3); c.584C>G, p.Pro195Arg (NM_001005735.3, NM_001438294.1); c.-209C>G (NM_001437942.1); c.548C>G, p.Pro183Arg (NM_001438293.1, NM_001438295.1); c.455C>G, p.Pro152Arg (NM_145862.3); c.444+129C>G (NM_001349956.3); c.455C>G (NM_007194.3); short protein forms P195R, P152R, P183R.
Identifiers: ClinVar variation 3647779 (VCV003647779.3).
Genomic context (GRCh38, chr22:28,725,114, plus strand): 5'-GTATTTACAAAGGTTCCATTGCCACTGTGATCTTCTATGTATGCAATGTAAGAGTTTTTA[G>C]GACCCACTTCCTAAAATAGAGAACATTTTGTTTCAGACTTTGAATAGCAGAGATTTATAG-3'
Protein context (NP_009125.1, residues 142-162): KHFRIFREVG[Pro152Arg]KNSYIAYIED